The following is an entry in ClinVar:

NM_152416.4(NDUFAF6):c.58C>T (p.Leu20=)

Genes: NDUFAF6 (NADH:ubiquinone oxidoreductase complex assembly factor 6; plus strand), LOC113788297 (Sharpr-MPRA regulatory region 2014; plus strand). Cytogenetic location: 8q22.1.
Variant type: single nucleotide variant.
Coding change: c.58C>T on transcript NM_152416.4 (MANE Select); coding-DNA position 58, C replaced by T.
Protein change: p.Leu20=; no amino-acid change (leucine 20 retained).
Molecular consequence: synonymous variant. On other transcripts: 5 prime UTR variant (12), non-coding transcript variant (6), intron variant (7).
Genome position (GRCh38, 1-based): chr8:95,025,066, C>T. VCF-style: chr8-95025066-C-T. GRCh37 (hg19) VCF-style: chr8-96037294-C-T.
Other names: c.-223C>T (NM_001330582.2, NM_001354521.2); c.-176C>T (NM_001354517.2); c.-395C>T (NM_001354518.2); c.-391C>T (NM_001354519.2); c.-740C>T (NM_001354527.2); c.-711C>T (NM_001354528.2); c.-523C>T (NM_001354529.2); c.-625C>T (NM_001354530.2); and 8 more.
Identifiers: ClinVar variation 681583 (VCV000681583.9), dbSNP rs768378051, ClinGen allele CA4814674.
Genomic context (GRCh38, chr8:95,025,066, plus strand): 5'-GTCATGGCGGCCTCCGCGCACGGCTCTGTCTGGGGGCCGTTGCGGCTTGGCATCCCCGGC[C>T]TGTGCTGCCGCCGGCCGCCTCTGGGTCTGTACGCGCGCATGCGGCGGCTGCCCGGGCCGG-3'
Protein context (NP_689629.2, residues 10-30): WGPLRLGIPG[Leu20=]CCRRPPLGLY

ClinVar aggregate classification (germline): Likely benign. Review status: criteria provided, multiple submitters, no conflicts (2 of 4 stars). 2 submissions from 2 submitters: Likely benign (2). Last evaluated 2022-11-15.

Allele frequency attached by ClinVar (database versions not stated): ExAC below 0.00001; gnomAD 0.00002 and 0.00003; TOPMed 0.00003; gnomAD exomes 0.00006; 1000 Genomes Project 30x 0.00016.
gnomAD v4.1: 32 of 1,435,674 alleles (0.0022%); highest among the groups gnomAD compares: East Asian, 0.053%; no homozygotes.

Submissions (2):

Labcorp Genetics (formerly Invitae), Labcorp
Classification: Likely benign. Last evaluated: 2022-11-15. Review status: criteria provided, single submitter. Criteria: Invitae Variant Classification Sherloc (09022015). Collection method: clinical testing. Allele origin: germline.

GeneDx
Classification: Likely benign. Last evaluated: 2018-04-20. Review status: criteria provided, single submitter. Criteria: GeneDx Variant Classification (06012015). Collection method: clinical testing. Allele origin: germline. Affected: yes.
Comment: This variant is considered likely benign or benign based on one or more of the following criteria: it is a conservative change, it occurs at a poorly conserved position in the protein, it is predicted to be benign by multiple in silico algorithms, and/or has population frequency not consistent with disease.